The following is an entry in ClinVar:

ClinVar aggregate classification (germline): Pathogenic/Likely pathogenic. Review status: criteria provided, multiple submitters, no conflicts (2 of 4 stars). 4 submissions from 4 submitters: Pathogenic (1); Likely pathogenic (2). 1 of the submissions does not count toward it. Last evaluated 2025-08-04.

Conditions:
Bardet-Biedl syndrome 12 (BBS12). Identifiers: Orphanet 110, MedGen C1859570, MONDO:0014440, OMIM 615989.
Bardet-Biedl syndrome (BBS). Identifiers: Orphanet 110, MedGen C0752166, MONDO:0015229.

Allele frequency attached by ClinVar (database versions not stated): gnomAD exomes below 0.00001; TOPMed 0.00001.

Submissions (4):

Natera, Inc.
Classification: Likely pathogenic for Bardet-Biedl syndrome type 12. Last evaluated: 2025-08-04. Review status: criteria provided, single submitter. Criteria: Natera Variant Classification Schema (03/2026). Collection method: clinical testing. Allele origin: germline.
Comment: The c.1372dupA variant in BBS12 is a frameshift variant predicted to shift the reading frame beginning at codon 458 and leads to a stop codon 5 codons downstream. This variant is expected to result in nonsense mediated decay, truncation, or a dysfunctional protein product. This variant is rare in the general population with a frequency below the threshold expected for the associated phenotype(s). This variant has been observed in one or more individuals affected with the associated recessive disease, as either homozygous or compound heterozygous with a second variant (PMID: 36907537, 36574078). Given the available evidence, this variant is classified as Likely Pathogenic.

Fulgent Genetics
Classification: Likely pathogenic for Bardet-Biedl syndrome 12. Last evaluated: 2024-03-21. Review status: criteria provided, single submitter. Criteria: ACMG Guidelines, 2015. Collection method: clinical testing. Allele origin: germline.

Labcorp Genetics (formerly Invitae), Labcorp
Classification: Pathogenic for Bardet-Biedl syndrome. Last evaluated: 2023-09-21. Review status: criteria provided, single submitter. Criteria: Invitae Variant Classification Sherloc (09022015). Collection method: clinical testing. Allele origin: germline.
Comment: This variant is not present in population databases (gnomAD no frequency). This sequence change creates a premature translational stop signal (p.Thr458Asnfs*5) in the BBS12 gene. While this is not anticipated to result in nonsense mediated decay, it is expected to disrupt the last 253 amino acid(s) of the BBS12 protein. This variant has not been reported in the literature in individuals affected with BBS12-related conditions. For these reasons, this variant has been classified as Pathogenic. This variant disrupts a region of the BBS12 protein in which other variant(s) (p.Gln685*) have been determined to be pathogenic (Invitae). This suggests that this is a clinically significant region of the protein, and that variants that disrupt it are likely to be disease-causing. ClinVar contains an entry for this variant (Variation ID: 554604).

Counsyl
Classification: Likely pathogenic for Bardet-Biedl syndrome 12. Last evaluated: 2017-10-27. Review status: no assertion criteria provided. Collection method: clinical testing. Allele origin: unknown. Not counted in ClinVar's aggregate classification.

Literature cited by the submitters: PubMed 36907537 (cited by Natera, Inc.); PubMed 36574078 (cited by Natera, Inc.).

NM_152618.3(BBS12):c.1372dup (p.Thr458fs)

Gene: BBS12 (Bardet-Biedl syndrome 12; plus strand). Cytogenetic location: 4q27.
Variant type: Duplication.
Coding change: c.1372dup on transcript NM_152618.3 (MANE Select); coding-DNA position 1372, one base duplicated (A; older notation c.1372dupA).
Protein change: p.Thr458fs; shifts the reading frame from threonine 458.
Molecular consequence: frameshift variant.
Genome position (GRCh38, 1-based): chr4:122,743,264, A duplicated. VCF-style (leftmost placement, unchanged base first): chr4-122743263-T-TA. GRCh37 (hg19) VCF-style: chr4-123664418-T-TA.
Other names: c.1372dup, p.Thr458fs (NM_001178007.2); c.1372dupA (NM_152618.2); short protein forms T458fs.
Identifiers: ClinVar variation 554604 (VCV000554604.14), dbSNP rs1195341481, ClinGen allele CA658821377.